The following is an entry in ClinVar:

NM_000152.5(GAA):c.958del (p.Val320fs)

Gene: GAA (alpha glucosidase; plus strand). Cytogenetic location: 17q25.3.
Variant type: Deletion.
Coding change: c.958del on transcript NM_000152.5 (MANE Select); coding-DNA position 958, one base deleted (G; older notation c.958delG).
Protein change: p.Val320fs; shifts the reading frame from valine 320.
Molecular consequence: frameshift variant.
Genome position (GRCh38, 1-based): chr17:80,108,292, G deleted. VCF-style (leftmost placement, unchanged base first): chr17-80108291-TG-T. GRCh37 (hg19) VCF-style: chr17-78082090-TG-T.
Other names: c.958del, p.Val320fs (NM_001079803.3, NM_001079804.3, NM_001406741.1 and 1 more transcripts); short protein forms V320fs.
Identifiers: ClinVar variation 5014203 (VCV005014203.1).

ClinVar aggregate classification (germline): Pathogenic (1 of 4 stars; one submission).

Conditions:
Glycogen storage disease, type II (IOPD). Also called: CARDIOMEGALIA GLYCOGENICA DIFFUSA; GLYCOGENOSIS, GENERALIZED, CARDIAC FORM; GSD II; Glycogen storage disease type 2; Acid maltase deficiency disease; Aglucosidase alfa. Identifiers: Orphanet 365, MedGen C0017921, MONDO:0009290, OMIM 232300.

Submission:

Myriad Genetics, Inc.
Classification: Pathogenic for Glycogen storage disease, type II. Last evaluated: 2025-03-11. Review status: criteria provided, single submitter. Criteria: Myriad Autosomal Dominant, Autosomal Recessive and X-Linked Classification Criteria (2023). Collection method: clinical testing. Allele origin: unknown.
Comment: NM_000152.3(GAA):c.958delG(V320Wfs*72) is expected to be pathogenic in the context of Pompe disease. This variant is predicted to lead to an abnormal or absent protein product due to the creation of a premature termination codon in GAA, a gene where loss-of-function variants are known to be pathogenic. Please note: this variant was assessed in the context of healthy population screening.